The following is an entry in ClinVar:

NM_004727.3(SLC24A1):c.152G>C (p.Trp51Ser)

Gene: SLC24A1 (solute carrier family 24 member 1; plus strand). Cytogenetic location: 15q22.31.
Variant type: single nucleotide variant.
Coding change: c.152G>C on transcript NM_004727.3 (MANE Select); coding-DNA position 152, G replaced by C.
Protein change: p.Trp51Ser; replaces tryptophan 51 with serine.
Molecular consequence: missense variant.
Genome position (GRCh38, 1-based): chr15:65,624,232, G>C. VCF-style: chr15-65624232-G-C. GRCh37 (hg19) VCF-style: chr15-65916570-G-C.
Other names: c.152G>C, p.Trp51Ser (NM_001301031.1, NM_001301032.1, NM_001301033.2); short protein forms W51S.
Identifiers: ClinVar variation 1480558 (VCV001480558.6), dbSNP rs763957405, ClinGen allele CA392912509.
Genomic context (GRCh38, chr15:65,624,232, plus strand): 5'-TGTTGATCATCGGTTCTACTTATCAGCACCTTAGGAGACCCCGGGGCCTTTCCTCATTGT[G>C]GGCAGCAGTCTCTTCTCATCAGCCTATAAAACTGGCCAGTCGGGACCTCTCCAGTGAAGA-3'
Protein context (NP_004718.1, residues 41-61): LRRPRGLSSL[Trp51Ser]AAVSSHQPIK

ClinVar aggregate classification (germline): Uncertain significance (1 of 4 stars; one submission).

gnomAD v4.1: 1 of 1,613,816 alleles (0.000062%); highest among the groups gnomAD compares: Non-Finnish European, 0.000085%; no homozygotes.

Submission:

Labcorp Genetics (formerly Invitae), Labcorp
Classification: Uncertain significance. Last evaluated: 2021-11-12. Review status: criteria provided, single submitter. Criteria: Invitae Variant Classification Sherloc (09022015). Collection method: clinical testing. Allele origin: germline.
Comment: This sequence change replaces tryptophan, which is neutral and slightly polar, with serine, which is neutral and polar, at codon 51 of the SLC24A1 protein (p.Trp51Ser). In summary, the available evidence is currently insufficient to determine the role of this variant in disease. Therefore, it has been classified as a Variant of Uncertain Significance. Algorithms developed to predict the effect of missense changes on protein structure and function are either unavailable or do not agree on the potential impact of this missense change (SIFT: "Tolerated"; PolyPhen-2: "Possibly Damaging"; Align-GVGD: "Class C0"). This variant has not been reported in the literature in individuals affected with SLC24A1-related conditions. This variant is not present in population databases (gnomAD no frequency).